The following is an entry in ClinVar:

NM_001184.4(ATR):c.7303A>G (p.Ile2435Val)

Gene: ATR (ATR checkpoint kinase; minus strand). Cytogenetic location: 3q23.
Variant type: single nucleotide variant.
Coding change: c.7303A>G on transcript NM_001184.4 (MANE Select); coding-DNA position 7303, A replaced by G.
Protein change: p.Ile2435Val; replaces isoleucine 2435 with valine.
Molecular consequence: missense variant.
Genome position (GRCh38, 1-based): chr3:142,459,273, T>C on the plus strand (A>G on the coding strand, the complement: ATR is on the minus strand). VCF-style: chr3-142459273-T-C. GRCh37 (hg19) VCF-style: chr3-142178115-T-C.
Other names: c.7111A>G, p.Ile2371Val (NM_001354579.2); short protein forms I2371V, I2435V.
Identifiers: ClinVar variation 956642 (VCV000956642.9), dbSNP rs149045116, ClinGen allele CA2649161.

ClinVar aggregate classification (germline): Conflicting classifications of pathogenicity. Review status: criteria provided, conflicting classifications (1 of 4 stars). 3 submissions from 3 submitters: Uncertain significance (1); Likely benign (2). Last evaluated 2025-11-24.

Conditions:
Inborn genetic diseases. Identifiers: MedGen C0950123, MeSH D030342.

Allele frequency attached by ClinVar (database versions not stated): TOPMed 0.00015; gnomAD 0.00021 and 0.00022; gnomAD exomes 0.00024 and 0.00027; ExAC 0.00030; ESP Exome Variant Server 0.00038.
gnomAD v4.1: 423 of 1,613,944 alleles (0.026%); highest among the groups gnomAD compares: Non-Finnish European, 0.032%; no homozygotes.

Submissions (3):

Labcorp Genetics (formerly Invitae), Labcorp
Classification: Uncertain significance. Last evaluated: 2025-11-24. Review status: criteria provided, single submitter. Criteria: Invitae Variant Classification Sherloc (09022015). Collection method: clinical testing. Allele origin: germline.
Comment: This sequence change replaces isoleucine, which is neutral and non-polar, with valine, which is neutral and non-polar, at codon 2435 of the ATR protein (p.Ile2435Val). This variant is present in population databases (rs149045116, gnomAD 0.05%). This missense change has been observed in individual(s) with breast and/or ovarian cancer (PMID: 15987455). ClinVar contains an entry for this variant (Variation ID: 956642). An algorithm developed to predict the effect of missense changes on protein structure and function outputs the following: PolyPhen-2: "Benign". The valine amino acid residue is found in multiple mammalian species, which suggests that this missense change does not adversely affect protein function. In summary, the available evidence is currently insufficient to determine the role of this variant in disease. Therefore, it has been classified as a Variant of Uncertain Significance.

Blueprint Genetics
Classification: Likely benign. Last evaluated: 2024-11-19. Review status: criteria provided, single submitter. Criteria: ACMG Guidelines, 2015. Collection method: clinical testing. Allele origin: germline.

Ambry Genetics
Classification: Likely benign for Inborn genetic diseases. Last evaluated: 2021-08-24. Review status: criteria provided, single submitter. Criteria: Ambry Variant Classification Scheme 2023. Collection method: clinical testing. Allele origin: germline.

Literature cited by the submitters: PubMed 15987455 (cited by Labcorp Genetics (formerly Invitae), Labcorp).